The following is an entry in ClinVar:

ClinVar aggregate classification (germline): Uncertain significance (1 of 4 stars; one submission).

gnomAD v4.1: 11 of 1,613,896 alleles (0.00068%); highest among the groups gnomAD compares: South Asian, 0.0077%; no homozygotes.

Submission:

Labcorp Genetics (formerly Invitae), Labcorp
Classification: Uncertain significance. Last evaluated: 2025-02-16. Review status: criteria provided, single submitter. Criteria: Invitae Variant Classification Sherloc (09022015). Collection method: clinical testing. Allele origin: germline.
Comment: This sequence change replaces histidine, which is basic and polar, with tyrosine, which is neutral and polar, at codon 680 of the NCKAP1L protein (p.His680Tyr). This variant is not present in population databases (gnomAD no frequency). This variant has not been reported in the literature in individuals affected with NCKAP1L-related conditions. An algorithm developed to predict the effect of missense changes on protein structure and function (PolyPhen-2) suggests that this variant is likely to be tolerated. In summary, the available evidence is currently insufficient to determine the role of this variant in disease. Therefore, it has been classified as a Variant of Uncertain Significance.

NM_005337.5(NCKAP1L):c.2038C>T (p.His680Tyr)

Gene: NCKAP1L (NCK associated protein 1 like; plus strand). Cytogenetic location: 12q13.2.
Variant type: single nucleotide variant.
Coding change: c.2038C>T on transcript NM_005337.5 (MANE Select); coding-DNA position 2038, C replaced by T.
Protein change: p.His680Tyr; replaces histidine 680 with tyrosine.
Molecular consequence: missense variant.
Genome position (GRCh38, 1-based): chr12:54,523,838, C>T. VCF-style: chr12-54523838-C-T. GRCh37 (hg19) VCF-style: chr12-54917622-C-T.
Other names: c.1888C>T, p.His630Tyr (NM_001184976.2); short protein forms H680Y, H630Y.
Identifiers: ClinVar variation 4754139 (VCV004754139.1).